The following is an entry in ClinVar:

NM_021830.5(TWNK):c.904C>T (p.Arg302Trp)

Gene: TWNK (twinkle mtDNA helicase; plus strand). Cytogenetic location: 10q24.31.
Variant type: single nucleotide variant.
Coding change: c.904C>T on transcript NM_021830.5 (MANE Select); coding-DNA position 904, C replaced by T.
Protein change: p.Arg302Trp; replaces arginine 302 with tryptophan.
Molecular consequence: missense variant. On other transcripts: non-coding transcript variant (4), intron variant (3).
Genome position (GRCh38, 1-based): chr10:100,989,114, C>T. VCF-style: chr10-100989114-C-T. GRCh37 (hg19) VCF-style: chr10-102748871-C-T.
Other names: c.904C>T, p.Arg302Trp (NM_001163812.2); c.-119-530C>T (NM_001163814.2, NM_001163813.2); c.-57-592C>T (NM_001368275.1); short protein forms R302W.
Identifiers: ClinVar variation 225838 (VCV000225838.40), dbSNP rs374997012, ClinGen allele CA5653134.
Genomic context (GRCh38, chr10:100,989,114, plus strand): 5'-ACTCTACCCCGAGGAACGACCTGCTTACCCCCTGCCTTACTCCCTTACCTGGAACAGTTC[C>T]GGCGGATTGTATTCTGGTTGGGGGATGACCTTCGGTCCTGGGAAGCCGCCAAGTTGTTTG-3'
Protein context (NP_068602.2, residues 292-312): PALLPYLEQF[Arg302Trp]RIVFWLGDDL

ClinVar aggregate classification (germline): Conflicting classifications of pathogenicity. Review status: criteria provided, conflicting classifications (1 of 4 stars). 8 submissions from 8 submitters: Likely pathogenic (2); Uncertain significance (5). 1 of the submissions does not count toward it. Last evaluated 2025-06-08.

Conditions:
C10ORF2-related disorders.
Infantile onset spinocerebellar ataxia (MTDPS7). Also called: OPHTHALMOPLEGIA, HYPOTONIA, ATAXIA, HYPOACUSIS, AND ATHETOSIS; OHAHA SYNDROME; SPINOCEREBELLAR ATAXIA, INFANTILE, WITH SENSORY NEUROPATHY; Mitochondrial DNA depletion syndrome 7 (hepatocerebral type). Identifiers: Orphanet 1186, MedGen C1849096, MONDO:0010060, OMIM 271245.
Progressive external ophthalmoplegia with mitochondrial DNA deletions, autosomal dominant 3. Also called: PROGRESSIVE EXTERNAL OPHTHALMOPLEGIA, AUTOSOMAL DOMINANT 3. Identifiers: MedGen C1836439, MONDO:0012241, OMIM 609286.

Allele frequency attached by ClinVar (database versions not stated): ExAC 0.00001; gnomAD 0.00001; gnomAD exomes 0.00001; TOPMed 0.00003; ESP Exome Variant Server 0.00008.
gnomAD v4.1: 18 of 1,612,236 alleles (0.0011%); highest among the groups gnomAD compares: African/African-American, 0.0027%; no homozygotes.

Submissions (8):

Labcorp Genetics (formerly Invitae), Labcorp
Classification: Likely pathogenic. Last evaluated: 2025-06-08. Review status: criteria provided, single submitter. Criteria: Invitae Variant Classification Sherloc (09022015). Collection method: clinical testing. Allele origin: germline.
Comment: This sequence change replaces arginine, which is basic and polar, with tryptophan, which is neutral and slightly polar, at codon 302 of the TWNK protein (p.Arg302Trp). This variant is present in population databases (rs374997012, gnomAD 0.01%). This missense change has been observed in individual(s) with mitochondrial DNA depletion syndrome (PMID: 27551684). In at least one individual the data is consistent with being in trans (on the opposite chromosome) from a pathogenic variant. ClinVar contains an entry for this variant (Variation ID: 225838). Invitae Evidence Modeling of protein sequence and biophysical properties (such as structural, functional, and spatial information, amino acid conservation, physicochemical variation, residue mobility, and thermodynamic stability) indicates that this missense variant is expected to disrupt TWNK protein function with a positive predictive value of 95%. In summary, the currently available evidence indicates that the variant is pathogenic, but additional data are needed to prove that conclusively. Therefore, this variant has been classified as Likely Pathogenic.

Genomic Medicine Center of Excellence, King Faisal Specialist Hospital and Research Centre
Classification: Uncertain significance for Progressive external ophthalmoplegia with mitochondrial DNA deletions, autosomal dominant 3. Last evaluated: 2024-03-26. Review status: criteria provided, single submitter. Criteria: ACMG Guidelines, 2015. Collection method: clinical testing. Allele origin: germline.

CeGaT Center for Human Genetics Tuebingen
Classification: Uncertain significance. Last evaluated: 2023-12-01. Review status: criteria provided, single submitter. Criteria: CeGaT Center For Human Genetics Tuebingen Variant Classification Criteria Version 2. Collection method: clinical testing. Allele origin: germline. Affected: yes. Observed: 1 variant allele.
Comment: TWNK: PM1, PM2, PP3

Women's Health and Genetics/Laboratory Corporation of America, LabCorp
Classification: Uncertain significance. Last evaluated: 2023-06-13. Review status: criteria provided, single submitter. Criteria: LabCorp Variant Classification Summary - May 2015. Collection method: clinical testing. Allele origin: germline.
Comment: Variant summary: C10orf2 (TWNK) c.904C>T (p.Arg302Trp) results in a non-conservative amino acid change in the encoded protein sequence. Five of five in-silico tools predict a damaging effect of the variant on protein function. The variant allele was found at a frequency of 8e-06 in 251042 control chromosomes (gnomAD). The available data on variant occurrences in the general population are insufficient to allow any conclusion about variant significance. c.904C>T has been reported in the literature in one compound heterozygous individual affected with Mitochondrial Depletion syndrome (Pierce_2016) and in one heterozygous individual with Primary Ovarian Insufficiency without strong evidence for causation (Heddar_2022). These data do not allow any conclusion about variant significance. To our knowledge, no experimental evidence demonstrating an impact on protein function has been reported. The following publications have been ascertained in the context of this evaluation (PMID: 36099812, 27551684). Four ClinVar submitters have assessed the variant since 2014: three classified the variant as uncertain significance and one as likely pathogenic. Based on the evidence outlined above, the variant was classified as uncertain significance.

ARUP Laboratories, Molecular Genetics and Genomics, ARUP Laboratories
Classification: Uncertain significance. Last evaluated: 2019-09-25. Review status: criteria provided, single submitter. Criteria: ARUP Molecular Germline Variant Investigation Process. Collection method: clinical testing. Allele origin: germline.

GeneDx
Classification: Uncertain significance. Last evaluated: 2019-05-21. Review status: criteria provided, single submitter. Criteria: GeneDx Variant Classification Process June 2021. Collection method: clinical testing. Allele origin: germline. Affected: yes.
Comment: In silico analysis, which includes protein predictors and evolutionary conservation, supports a deleterious effect; This variant is associated with the following publications: (PMID: 27551684)

Blueprint Genetics
Classification: Likely pathogenic for C10ORF2-related disorders. Last evaluated: 2019-03-06. Review status: criteria provided, single submitter. Criteria: ACMG Guidelines, 2015. Collection method: clinical testing. Allele origin: germline. Affected: yes. Observed: 3 variant alleles.

King Laboratory, University of Washington
Classification: Likely pathogenic for Infantile onset spinocerebellar ataxia. Last evaluated: 2016-03-20. Review status: no assertion criteria provided. Collection method: research. Allele origin: maternal. Affected: yes. Not counted in ClinVar's aggregate classification.

Literature cited by the submitters: PubMed 27551684 (cited by 3 submitters); PubMed 36099812 (cited by Women's Health and Genetics/Laboratory Corporation of America, LabCorp).